The following is an entry in ClinVar:

ClinVar aggregate classification (germline): Uncertain significance. Review status: criteria provided, multiple submitters, no conflicts (2 of 4 stars). 4 submissions from 4 submitters: Uncertain significance (4). Last evaluated 2025-09-09.

Conditions:
Inborn genetic diseases. Identifiers: MedGen C0950123, MeSH D030342.
Megaloblastic anemia, thiamine-responsive, with diabetes mellitus and sensorineural deafness (TRMA). Also called: THIAMINE METABOLISM DYSFUNCTION SYNDROME 1 (MEGALOBLASTIC ANEMIA, DIABETES MELLITUS, AND DEAFNESS TYPE); THIAMINE-RESPONSIVE ANEMIA SYNDROME; THIAMINE-RESPONSIVE MYELODYSPLASIA; ROGERS SYNDROME; Thiamine-Responsive Megaloblastic Anemia Syndrome. Identifiers: Orphanet 49827, MedGen C0342287, MONDO:0009575, OMIM 249270.

Allele frequency attached by ClinVar (database versions not stated): gnomAD exomes 0.00003; ExAC 0.00007; gnomAD 0.00007 and 0.00008; TOPMed 0.00012; ESP Exome Variant Server 0.00016.
gnomAD v4.1: 61 of 1,586,172 alleles (0.0038%); highest among the groups gnomAD compares: African/African-American, 0.028%; no homozygotes.

Submissions (4):

Ambry Genetics
Classification: Uncertain significance for Inborn genetic diseases. Last evaluated: 2025-09-09. Review status: criteria provided, single submitter. Criteria: Ambry Variant Classification Scheme 2023. Collection method: clinical testing. Allele origin: germline.

Fulgent Genetics
Classification: Uncertain significance for Megaloblastic anemia, thiamine-responsive, with diabetes mellitus and sensorineural deafness. Last evaluated: 2024-06-04. Review status: criteria provided, single submitter. Criteria: ACMG Guidelines, 2015. Collection method: clinical testing. Allele origin: germline.

Labcorp Genetics (formerly Invitae), Labcorp
Classification: Uncertain significance. Last evaluated: 2021-08-18. Review status: criteria provided, single submitter. Criteria: Invitae Variant Classification Sherloc (09022015). Collection method: clinical testing. Allele origin: germline.
Comment: This sequence change replaces proline with arginine at codon 60 of the SLC19A2 protein (p.Pro60Arg). The proline residue is moderately conserved and there is a moderate physicochemical difference between proline and arginine. This variant is present in population databases (rs373405573, ExAC 0.1%). This variant has not been reported in the literature in individuals affected with SLC19A2-related conditions. ClinVar contains an entry for this variant (Variation ID: 501881). Algorithms developed to predict the effect of missense changes on protein structure and function are either unavailable or do not agree on the potential impact of this missense change (SIFT: "Tolerated"; PolyPhen-2: "Possibly Damaging"; Align-GVGD: "Class C0"). In summary, the available evidence is currently insufficient to determine the role of this variant in disease. Therefore, it has been classified as a Variant of Uncertain Significance.

Eurofins Ntd Llc (ga)
Classification: Uncertain significance. Last evaluated: 2017-05-08. Review status: criteria provided, single submitter. Criteria: EGL Classification Definitions 2015. Collection method: clinical testing. Allele origin: germline. Observed: 1 variant allele, 1 heterozygote.

NM_006996.3(SLC19A2):c.179C>G (p.Pro60Arg)

Gene: SLC19A2 (solute carrier family 19 member 2; minus strand). Cytogenetic location: 1q24.2.
Variant type: single nucleotide variant.
Coding change: c.179C>G on transcript NM_006996.3 (MANE Select); coding-DNA position 179, C replaced by G.
Protein change: p.Pro60Arg; replaces proline 60 with arginine.
Molecular consequence: missense variant.
Genome position (GRCh38, 1-based): chr1:169,485,588, G>C on the plus strand (C>G on the coding strand, the complement: SLC19A2 is on the minus strand). VCF-style: chr1-169485588-G-C. GRCh37 (hg19) VCF-style: chr1-169454826-G-C.
Other names: c.179C>G (NM_006996.2); c.179C>G, p.Pro60Arg (NM_001319667.1); short protein forms P60R.
Identifiers: ClinVar variation 501881 (VCV000501881.10), dbSNP rs373405573, ClinGen allele CA1233146.